The following is an entry in ClinVar:

ClinVar aggregate classification (germline): Conflicting classifications of pathogenicity. Review status: criteria provided, conflicting classifications (1 of 4 stars). 5 submissions from 5 submitters: Pathogenic (1); Likely pathogenic (3); Uncertain significance (1). Last evaluated 2026-01-28.

Conditions:
Tyrosinase-positive oculocutaneous albinism (OCA2). Also called: Oculocutaneous albinism type 2; ALBINISM II; Albinism, oculocutaneous, type II. Identifiers: Orphanet 79432, MedGen C0268495, MONDO:0008746, OMIM 203200.
SKIN/HAIR/EYE PIGMENTATION 1, BLUE/NONBLUE EYES (SHEP1). Also called: BROWN EYE COLOR 2; EYE COLOR 3; EYE COLOR, BLUE/NONBLUE; EYE COLOR, BROWN/BLUE; HAIR COLOR 3; SKIN/HAIR/EYE PIGMENTATION 1, BLOND/BROWN HAIR. Identifiers: MedGen C1856895, OMIM 227220.

Allele frequency attached by ClinVar (database versions not stated): gnomAD exomes below 0.00001; ExAC 0.00001; gnomAD 0.00001; TOPMed 0.00002.
gnomAD v4.1: 49 of 1,614,072 alleles (0.003%); highest among the groups gnomAD compares: Non-Finnish European, 0.0042%; no homozygotes.

Submissions (5):

Labcorp Genetics (formerly Invitae), Labcorp
Classification: Pathogenic. Last evaluated: 2026-01-28. Review status: criteria provided, single submitter. Criteria: Invitae Variant Classification Sherloc (09022015). Collection method: clinical testing. Allele origin: germline.
Comment: This sequence change replaces leucine, which is neutral and non-polar, with arginine, which is basic and polar, at codon 734 of the OCA2 protein (p.Leu734Arg). This variant is present in population databases (rs768934658, gnomAD 0.0009%). This missense change has been observed in individual(s) with oculocutaneous albinism (PMID: 23103111; internal data). In at least one individual the data is consistent with being in trans (on the opposite chromosome) from a pathogenic variant. It has also been observed to segregate with disease in related individuals. ClinVar contains an entry for this variant (Variation ID: 632225). Invitae Evidence Modeling of protein sequence and biophysical properties (such as structural, functional, and spatial information, amino acid conservation, physicochemical variation, residue mobility, and thermodynamic stability) has been performed for this missense variant. However, the output from this modeling did not meet the statistical confidence thresholds required to predict the impact of this variant on OCA2 protein function. This variant disrupts the p.Leu734 amino acid residue in OCA2. Other variant(s) that disrupt this residue have been observed in individuals with OCA2-related conditions (PMID: 29345414), which suggests that this may be a clinically significant amino acid residue. For these reasons, this variant has been classified as Pathogenic.

GeneDx
Classification: Likely pathogenic. Last evaluated: 2025-03-24. Review status: criteria provided, single submitter. Criteria: GeneDx Variant Classification Process June 2021. Collection method: clinical testing. Allele origin: germline. Affected: yes.
Comment: Not observed at significant frequency in large population cohorts (gnomAD); In silico analysis supports that this missense variant has a deleterious effect on protein structure/function; This variant is associated with the following publications: (PMID: 23103111, 29345414, 32966289)

Blueprint Genetics
Classification: Uncertain significance. Last evaluated: 2024-09-02. Review status: criteria provided, single submitter. Criteria: ACMG Guidelines, 2015. Collection method: clinical testing. Allele origin: germline.

Fulgent Genetics
Classification: Likely pathogenic for Tyrosinase-positive oculocutaneous albinism; SKIN/HAIR/EYE PIGMENTATION 1, BLUE/NONBLUE EYES. Last evaluated: 2023-12-29. Review status: criteria provided, single submitter. Criteria: ACMG Guidelines, 2015. Collection method: clinical testing. Allele origin: germline.

Genome-Nilou Lab
Classification: Likely pathogenic for Tyrosinase-positive oculocutaneous albinism. Last evaluated: 2021-11-07. Review status: criteria provided, single submitter. Criteria: ACMG Guidelines, 2015. Collection method: clinical testing. Allele origin: germline. Affected: no.

Literature cited by the submitters: PubMed 23103111 (cited by Labcorp Genetics (formerly Invitae), Labcorp); PubMed 29345414 (cited by Labcorp Genetics (formerly Invitae), Labcorp).

NM_000275.3(OCA2):c.2201T>G (p.Leu734Arg)

Gene: OCA2 (OCA2 melanosomal transmembrane protein; minus strand). Cytogenetic location: 15q13.1.
Variant type: single nucleotide variant.
Coding change: c.2201T>G on transcript NM_000275.3 (MANE Select); coding-DNA position 2201, T replaced by G.
Protein change: p.Leu734Arg; replaces leucine 734 with arginine.
Molecular consequence: missense variant.
Genome position (GRCh38, 1-based): chr15:27,871,197, A>C on the plus strand (T>G on the coding strand, the complement: OCA2 is on the minus strand). VCF-style: chr15-27871197-A-C. GRCh37 (hg19) VCF-style: chr15-28116343-A-C.
Other names: c.2129T>G, p.Leu710Arg (NM_001300984.2); short protein forms L734R, L710R.
Identifiers: ClinVar variation 632225 (VCV000632225.23), dbSNP rs768934658, ClinGen allele CA7438712.